The following is an entry in ClinVar:

ClinVar aggregate classification (germline): Uncertain significance. Review status: criteria provided, multiple submitters, no conflicts (2 of 4 stars). 3 submissions from 3 submitters: Uncertain significance (3). Last evaluated 2026-01-21.

Conditions:
Polymerase proofreading-related adenomatous polyposis. Also called: Polymerase proofreading associated polyposis; Polymerase proofreading–associated polyposis (PPAP). Identifiers: Orphanet 447877, MedGen C5202613, MONDO:0018653.
Hereditary cancer-predisposing syndrome. Also called: Neoplastic Syndromes, Hereditary; Tumor predisposition; Hereditary Cancer Syndrome; Hereditary neoplastic syndrome. Identifiers: Orphanet 140162, MedGen C0027672, MeSH D009386, MONDO:0015356.

Submissions (3):

Labcorp Genetics (formerly Invitae), Labcorp
Classification: Uncertain significance. Last evaluated: 2026-01-21. Review status: criteria provided, single submitter. Criteria: Invitae Variant Classification Sherloc (09022015). Collection method: clinical testing. Allele origin: germline.
Comment: This sequence change replaces glutamine, which is neutral and polar, with arginine, which is basic and polar, at codon 1762 of the POLE protein (p.Gln1762Arg). This variant is not present in population databases (gnomAD no frequency). This variant has not been reported in the literature in individuals affected with POLE-related conditions. ClinVar contains an entry for this variant (Variation ID: 3422212). Invitae Evidence Modeling of protein sequence and biophysical properties (such as structural, functional, and spatial information, amino acid conservation, physicochemical variation, residue mobility, and thermodynamic stability) indicates that this missense variant is not expected to disrupt POLE protein function with a negative predictive value of 80%. In summary, the available evidence is currently insufficient to determine the role of this variant in disease. Therefore, it has been classified as a Variant of Uncertain Significance.

Ambry Genetics
Classification: Uncertain significance for Hereditary cancer-predisposing syndrome. Last evaluated: 2024-10-27. Review status: criteria provided, single submitter. Criteria: Ambry Variant Classification Scheme 2023. Collection method: clinical testing. Allele origin: germline.
Comment: The p.Q1762R variant (also known as c.5285A>G), located in coding exon 39 of the POLE gene, results from an A to G substitution at nucleotide position 5285. The glutamine at codon 1762 is replaced by arginine, an amino acid with highly similar properties. This amino acid position is conserved. In addition, this alteration is predicted to be tolerated by in silico analysis. Based on the available evidence, the clinical significance of this variant remains unclear.

Department of Pathology and Laboratory Medicine, Sinai Health System
Classification: Uncertain significance for Polymerase proofreading-related adenomatous polyposis. Last evaluated: 2021-04-14. Review status: criteria provided, single submitter. Criteria: ACMG Guidelines, 2015. Collection method: clinical testing. Allele origin: germline. Affected: yes.

NM_006231.4(POLE):c.5285A>G (p.Gln1762Arg)

Gene: POLE (DNA polymerase epsilon, catalytic subunit; minus strand). Cytogenetic location: 12q24.33.
Variant type: single nucleotide variant.
Coding change: c.5285A>G on transcript NM_006231.4 (MANE Select); coding-DNA position 5285, A replaced by G.
Protein change: p.Gln1762Arg; replaces glutamine 1762 with arginine.
Molecular consequence: missense variant.
Genome position (GRCh38, 1-based): chr12:132,641,740, T>C on the plus strand (A>G on the coding strand, the complement: POLE is on the minus strand). VCF-style: chr12-132641740-T-C. GRCh37 (hg19) VCF-style: chr12-133218326-T-C.
Other names: short protein forms Q1762R.
Identifiers: ClinVar variation 3422212 (VCV003422212.3).